The following is an entry in ClinVar:

ClinVar aggregate classification (germline): Pathogenic (1 of 4 stars; one submission).

Conditions:
VPS13A-related neurodegenerative disease. Also called: ACANTHOCYTOSIS WITH NEUROLOGIC DISORDER; LEVINE-CRITCHLEY SYNDROME; Choreoacanthocytosis; Chorea-acanthocytosis; Choreaacanthocytosis; VPS13A Disease. Identifiers: Orphanet 2388, MedGen C0393576, MONDO:0008695, OMIM 200150.

Submission:

Myriad Genetics, Inc.
Classification: Pathogenic for VPS13A-related neurodegenerative disease. Last evaluated: 2024-05-14. Review status: criteria provided, single submitter. Criteria: Myriad Autosomal Dominant, Autosomal Recessive and X-Linked Classification Criteria (2023). Collection method: clinical testing. Allele origin: unknown.
Comment: NM_033305.2(VPS13A):c.4419dupA(G1474Rfs*7) is expected to be pathogenic in the context of VPS13A disease. This variant is predicted to lead to an abnormal or absent protein product due to the creation of a premature termination codon in VPS13A, a gene where loss-of-function variants are known to be pathogenic. Please note: this variant was assessed in the context of healthy population screening.

NM_033305.3(VPS13A):c.4419dup (p.Gly1474fs)

Gene: VPS13A (vacuolar protein sorting 13 homolog A; plus strand). Cytogenetic location: 9q21.2.
Variant type: Duplication.
Coding change: c.4419dup on transcript NM_033305.3 (MANE Select); coding-DNA position 4419, one base duplicated (A; older notation c.4419dupA).
Protein change: p.Gly1474fs; shifts the reading frame from glycine 1474.
Molecular consequence: frameshift variant.
Genome position (GRCh38, 1-based): chr9:77,315,259, A duplicated. VCF-style (leftmost placement, unchanged base first): chr9-77315258-T-TA. GRCh37 (hg19) VCF-style: chr9-79930174-T-TA.
Other names: c.4302dup, p.Gly1435fs (NM_001018037.2); c.4419dup, p.Gly1474fs (NM_001018038.3, NM_015186.4); short protein forms G1435fs, G1474fs.
Identifiers: ClinVar variation 5011960 (VCV005011960.1).